The following is an entry in ClinVar:

NM_031885.5(BBS2):c.718-3C>T

Gene: BBS2 (Bardet-Biedl syndrome 2; minus strand). Cytogenetic location: 16q13.
Variant type: single nucleotide variant.
Coding change: c.718-3C>T on transcript NM_031885.5 (MANE Select); 3 bases into the intron before coding-DNA position 718, C replaced by T.
Molecular consequence: intron variant.
Genome position (GRCh38, 1-based): chr16:56,506,039, G>A on the plus strand (C>T on the coding strand, the complement: BBS2 is on the minus strand). VCF-style: chr16-56506039-G-A. GRCh37 (hg19) VCF-style: chr16-56539951-G-A.
Other names: c.718-3C>T (NM_001377456.1, NM_031885.3).
Identifiers: ClinVar variation 1021939 (VCV001021939.6), dbSNP rs779134746, ClinGen allele CA281482481.

ClinVar aggregate classification (germline): Conflicting classifications of pathogenicity. Review status: criteria provided, conflicting classifications (1 of 4 stars). 4 submissions from 4 submitters: Uncertain significance (1); Likely benign (1). 2 of the submissions do not count toward it. Last evaluated 2024-05-14.

Conditions:
BBS2-related disorder. Also called: BBS2-related condition; BBS2-related disorders. Identifiers: MedGen CN239228.
Bardet-Biedl syndrome 2 (BBS2). Identifiers: Orphanet 110, MedGen C2936863, MONDO:0014432, OMIM 615981.
Bardet-Biedl syndrome (BBS). Identifiers: Orphanet 110, MedGen C0752166, MONDO:0015229.

Allele frequency attached by ClinVar (database versions not stated): gnomAD 0.00001; TOPMed 0.00001; gnomAD exomes 0.00002.
gnomAD v4.1: 60 of 1,613,564 alleles (0.0037%); highest among the groups gnomAD compares: Non-Finnish European, 0.005%; no homozygotes.

Submissions (4):

Blueprint Genetics
Classification: Likely benign. Last evaluated: 2024-05-14. Review status: criteria provided, single submitter. Criteria: ACMG Guidelines, 2015. Collection method: clinical testing. Allele origin: germline.

Labcorp Genetics (formerly Invitae), Labcorp
Classification: Uncertain significance for Bardet-Biedl syndrome. Last evaluated: 2021-08-31. Review status: criteria provided, single submitter. Criteria: Invitae Variant Classification Sherloc (09022015). Collection method: clinical testing. Allele origin: germline.
Comment: This sequence change falls in intron 6 of the BBS2 gene. It does not directly change the encoded amino acid sequence of the BBS2 protein. It affects a nucleotide within the consensus splice site of the intron. This variant is not present in population databases (ExAC no frequency). This variant has not been reported in the literature in individuals affected with BBS2-related conditions. Variants that disrupt the consensus splice site are a relatively common cause of aberrant splicing (PMID: 17576681, 9536098). Algorithms developed to predict the effect of sequence changes on RNA splicing suggest that this variant is not likely to affect RNA splicing. In summary, the available evidence is currently insufficient to determine the role of this variant in disease. Therefore, it has been classified as a Variant of Uncertain Significance.

PreventionGenetics, part of Exact Sciences
Classification: Likely benign for BBS2-related condition. Last evaluated: 2023-11-27. Review status: no assertion criteria provided. Collection method: clinical testing. Allele origin: germline. Not counted in ClinVar's aggregate classification.
Comment: This variant is classified as likely benign based on ACMG/AMP sequence variant interpretation guidelines (Richards et al. 2015 PMID: 25741868, with internal and published modifications).

Natera, Inc.
Classification: Uncertain significance for Bardet-Biedl syndrome type 2. Last evaluated: 2019-12-27. Review status: no assertion criteria provided. Collection method: clinical testing. Allele origin: germline. Not counted in ClinVar's aggregate classification.

Literature cited by the submitters: PubMed 17576681 (cited by Labcorp Genetics (formerly Invitae), Labcorp); PubMed 9536098 (cited by Labcorp Genetics (formerly Invitae), Labcorp).